The following is an entry in ClinVar:

ClinVar aggregate classification (germline): Uncertain significance (1 of 4 stars; one submission).

gnomAD v4.1: 1 of 1,613,632 alleles (0.000062%); highest among the groups gnomAD compares: Admixed American, 0.0017%; no homozygotes.

Submission:

Labcorp Genetics (formerly Invitae), Labcorp
Classification: Uncertain significance. Last evaluated: 2024-09-19. Review status: criteria provided, single submitter. Criteria: Invitae Variant Classification Sherloc (09022015). Collection method: clinical testing. Allele origin: germline.
Comment: This sequence change replaces glycine, which is neutral and non-polar, with serine, which is neutral and polar, at codon 49 of the PNPLA8 protein (p.Gly49Ser). This variant is present in population databases (no rsID available, gnomAD 0.003%). This variant has not been reported in the literature in individuals affected with PNPLA8-related conditions. An algorithm developed to predict the effect of missense changes on protein structure and function outputs the following: PolyPhen-2: "Benign". The serine amino acid residue is found in multiple mammalian species, which suggests that this missense change does not adversely affect protein function. In summary, the available evidence is currently insufficient to determine the role of this variant in disease. Therefore, it has been classified as a Variant of Uncertain Significance.

NM_001256007.3(PNPLA8):c.145G>A (p.Gly49Ser)

Gene: PNPLA8 (patatin like domain 8, phospholipase A2; minus strand). Cytogenetic location: 7q31.1.
Variant type: single nucleotide variant.
Coding change: c.145G>A on transcript NM_001256007.3 (MANE Select); coding-DNA position 145, G replaced by A.
Protein change: p.Gly49Ser; replaces glycine 49 with serine.
Molecular consequence: missense variant. On other transcripts: 5 prime UTR variant (2).
Genome position (GRCh38, 1-based): chr7:108,515,347, C>T on the plus strand (G>A on the coding strand, the complement: PNPLA8 is on the minus strand). VCF-style: chr7-108515347-C-T. GRCh37 (hg19) VCF-style: chr7-108155791-C-T.
Other names: c.145G>A, p.Gly49Ser (NM_001256008.3, NM_001256009.3, NM_015723.5); c.-156G>A (NM_001256010.3, NM_001256011.3); short protein forms G49S.
Identifiers: ClinVar variation 3682718 (VCV003682718.2).